The following is an entry in ClinVar:

ClinVar aggregate classification (germline): Uncertain significance (1 of 4 stars; one submission).

Conditions:
EGFR-related lung cancer (EGFR). Identifiers: MedGen CN130014.

Submission:

Labcorp Genetics (formerly Invitae), Labcorp
Classification: Uncertain significance for EGFR-related lung cancer. Last evaluated: 2020-12-27. Review status: criteria provided, single submitter. Criteria: Invitae Variant Classification Sherloc (09022015). Collection method: clinical testing. Allele origin: germline.
Comment: In summary, the available evidence is currently insufficient to determine the role of this variant in disease. Therefore, it has been classified as a Variant of Uncertain Significance. Experimental studies and prediction algorithms are not available or were not evaluated, and the functional significance of this variant is currently unknown. This variant has not been reported in the literature in individuals with EGFR-related conditions. This variant is not present in population databases (ExAC no frequency). This variant, c.2418_2423del, results in the deletion of 2 amino acid(s) of the EGFR protein (p.Lys806_Asp807del), but otherwise preserves the integrity of the reading frame.

NM_005228.5(EGFR):c.2418_2423del (p.Lys806_Asp807del)

Genes: EGFR-AS1 (EGFR antisense RNA 1; minus strand), EGFR (epidermal growth factor receptor; plus strand). Cytogenetic location: 7p11.2.
Variant type: Deletion.
Coding change: c.2418_2423del on transcript NM_005228.5 (MANE Select); coding-DNA positions 2418 to 2423, 6 bases deleted (AGACAA; older notation c.2418_2423delAGACAA).
Protein change: p.Lys806_Asp807del.
Molecular consequence: inframe deletion. On other transcripts: non-coding transcript variant (1).
Genome position (GRCh38, 1-based): chr7:55,181,427-55,181,432, AGACAA deleted; deleting any 6 consecutive bases within chr7:55,181,423-55,181,432 gives the same sequence; the c. name uses the placement nearest the transcript's 3' end. VCF-style (leftmost placement, unchanged base first): chr7-55181422-CACAAAG-C. GRCh37 (hg19) VCF-style: chr7-55249115-CACAAAG-C.
Other names: c.2283_2288del, p.Lys761_Asp762del (NM_001346897.2, NM_001346899.2); c.2418_2423del, p.Lys806_Asp807del (NM_001346898.2); c.2259_2264del, p.Lys753_Asp754del (NM_001346900.2); c.1617_1622del, p.Lys539_Asp540del (NM_001346941.2).
Identifiers: ClinVar variation 1480078 (VCV001480078.8), dbSNP rs2128958755, ClinGen allele CA2573142239.